The following is an entry in ClinVar:

ClinVar aggregate classification (germline): Pathogenic (1 of 4 stars; one submission).

Conditions:
Propionic acidemia (PROP). Also called: GLYCINEMIA, KETOTIC; HYPERGLYCINEMIA WITH KETOACIDOSIS AND LEUKOPENIA; KETOTIC HYPERGLYCINEMIA. Identifiers: Orphanet 35, MedGen C0268579, MONDO:0011628, OMIM 606054, HP:0003571.

Submission:

Labcorp Genetics (formerly Invitae), Labcorp
Classification: Pathogenic for Propionic acidemia. Last evaluated: 2022-06-28. Review status: criteria provided, single submitter. Criteria: Invitae Variant Classification Sherloc (09022015). Collection method: clinical testing. Allele origin: germline.
Comment: For these reasons, this variant has been classified as Pathogenic. Algorithms developed to predict the effect of sequence changes on RNA splicing suggest that this variant may disrupt the consensus splice site. This variant has not been reported in the literature in individuals affected with PCCB-related conditions. This variant is not present in population databases (gnomAD no frequency). This sequence change creates a premature translational stop signal (p.Phe344Valfs*5) in the PCCB gene. It is expected to result in an absent or disrupted protein product. Loss-of-function variants in PCCB are known to be pathogenic (PMID: 15464417).

Literature cited by the submitters: PubMed 15464417.

NM_000532.5(PCCB):c.1027_1028dup (p.Phe344fs)

Gene: PCCB (propionyl-CoA carboxylase subunit beta; plus strand). Cytogenetic location: 3q22.3.
Variant type: Duplication.
Coding change: c.1027_1028dup on transcript NM_000532.5 (MANE Select); coding-DNA positions 1027 to 1028, 2 bases duplicated (GG; older notation c.1027_1028dupGG).
Protein change: p.Phe344fs; shifts the reading frame from phenylalanine 344.
Molecular consequence: frameshift variant.
Genome position (GRCh38, 1-based): chr3:136,317,001-136,317,002, GG duplicated. VCF-style (leftmost placement, unchanged base first): chr3-136317000-T-TGG. GRCh37 (hg19) VCF-style: chr3-136035842-T-TGG.
Other names: c.1087_1088dup, p.Phe364fs (NM_001178014.2); short protein forms F364fs, F344fs.
Identifiers: ClinVar variation 1444332 (VCV001444332.6), dbSNP rs2108226643, ClinGen allele CA2573136662.
Genomic context (GRCh38, chr3:136,317,000, plus strand): 5'-GGTTGTTGATGAGCGTGAATTTTTTGAGATCATGCCCAATTATGCCAAGAACATCATTGT[T>TGG]GGTTTTGCAAGAATGAATGGGAGGACTGTTGGAATTGTTGGCAACCAACCTAAGGTGGCC-3'